The following is an entry in ClinVar:

ClinVar aggregate classification (germline): Uncertain significance (1 of 4 stars; one submission).

Conditions:
Frontotemporal dementia and/or amyotrophic lateral sclerosis 4. Also called: FTDALS4. Identifiers: Orphanet 275872, MedGen C4225325, MONDO:0014641, OMIM 616439.

Submission:

Labcorp Genetics (formerly Invitae), Labcorp
Classification: Uncertain significance for Frontotemporal dementia and/or amyotrophic lateral sclerosis 4. Last evaluated: 2024-03-01. Review status: criteria provided, single submitter. Criteria: Invitae Variant Classification Sherloc (09022015). Collection method: clinical testing. Allele origin: germline.
Comment: This sequence change replaces alanine, which is neutral and non-polar, with aspartic acid, which is acidic and polar, at codon 415 of the TBK1 protein (p.Ala415Asp). This variant is not present in population databases (gnomAD no frequency). This variant has not been reported in the literature in individuals affected with TBK1-related conditions. Advanced modeling of protein sequence and biophysical properties (such as structural, functional, and spatial information, amino acid conservation, physicochemical variation, residue mobility, and thermodynamic stability) performed at Invitae indicates that this missense variant is not expected to disrupt TBK1 protein function with a negative predictive value of 95%. In summary, the available evidence is currently insufficient to determine the role of this variant in disease. Therefore, it has been classified as a Variant of Uncertain Significance.

NM_013254.4(TBK1):c.1244C>A (p.Ala415Asp)

Gene: TBK1 (TANK binding kinase 1; plus strand). Cytogenetic location: 12q14.2.
Variant type: single nucleotide variant.
Coding change: c.1244C>A on transcript NM_013254.4 (MANE Select); coding-DNA position 1244, C replaced by A.
Protein change: p.Ala415Asp; replaces alanine 415 with aspartic acid.
Molecular consequence: missense variant.
Genome position (GRCh38, 1-based): chr12:64,485,509, C>A. VCF-style: chr12-64485509-C-A. GRCh37 (hg19) VCF-style: chr12-64879289-C-A.
Other names: short protein forms A415D.
Identifiers: ClinVar variation 3637638 (VCV003637638.2).